The following is an entry in ClinVar:

ClinVar aggregate classification (germline): Conflicting classifications of pathogenicity. Review status: criteria provided, conflicting classifications (1 of 4 stars). 3 submissions from 3 submitters: Uncertain significance (1); Benign (1); Likely benign (1). Last evaluated 2024-10-15.

Conditions:
Inborn genetic diseases. Identifiers: MedGen C0950123, MeSH D030342.

Allele frequency attached by ClinVar (database versions not stated): gnomAD exomes 0.00006 and 0.00012; ExAC 0.00007; ESP Exome Variant Server 0.00008; gnomAD 0.00010; TOPMed 0.00011.
gnomAD v4.1: 108 of 1,613,576 alleles (0.0067%); highest among the groups gnomAD compares: East Asian, 0.085%; no homozygotes.

Submissions (3):

Blueprint Genetics
Classification: Benign. Last evaluated: 2024-10-15. Review status: criteria provided, single submitter. Criteria: ACMG Guidelines, 2015. Collection method: clinical testing. Allele origin: germline.

Labcorp Genetics (formerly Invitae), Labcorp
Classification: Uncertain significance. Last evaluated: 2023-11-06. Review status: criteria provided, single submitter. Criteria: Invitae Variant Classification Sherloc (09022015). Collection method: clinical testing. Allele origin: germline.
Comment: This sequence change replaces threonine, which is neutral and polar, with methionine, which is neutral and non-polar, at codon 592 of the CDH3 protein (p.Thr592Met). This variant is present in population databases (rs145851551, gnomAD 0.1%). This variant has not been reported in the literature in individuals affected with CDH3-related conditions. ClinVar contains an entry for this variant (Variation ID: 836298). Advanced modeling of protein sequence and biophysical properties (such as structural, functional, and spatial information, amino acid conservation, physicochemical variation, residue mobility, and thermodynamic stability) performed at Invitae indicates that this missense variant is expected to disrupt CDH3 protein function with a positive predictive value of 80%. In summary, the available evidence is currently insufficient to determine the role of this variant in disease. Therefore, it has been classified as a Variant of Uncertain Significance.

Ambry Genetics
Classification: Likely benign for Inborn genetic diseases. Last evaluated: 2022-02-03. Review status: criteria provided, single submitter. Criteria: Ambry Variant Classification Scheme 2023. Collection method: clinical testing. Allele origin: germline.

NM_001793.6(CDH3):c.1775C>T (p.Thr592Met)

Gene: CDH3 (cadherin 3; plus strand). Cytogenetic location: 16q22.1.
Variant type: single nucleotide variant.
Coding change: c.1775C>T on transcript NM_001793.6 (MANE Select); coding-DNA position 1775, C replaced by T.
Protein change: p.Thr592Met; replaces threonine 592 with methionine.
Molecular consequence: missense variant.
Genome position (GRCh38, 1-based): chr16:68,687,716, C>T. VCF-style: chr16-68687716-C-T. GRCh37 (hg19) VCF-style: chr16-68721619-C-T.
Other names: c.1775C>T (NM_001793.4); c.1775C>T, p.Thr592Met (NM_001317195.3); c.1610C>T, p.Thr537Met (NM_001317196.2); short protein forms T537M, T592M.
Identifiers: ClinVar variation 836298 (VCV000836298.9), dbSNP rs145851551, ClinGen allele CA8129464.
Genomic context (GRCh38, chr16:68,687,716, plus strand): 5'-TGTCTCCCCACACCTCCCCTTTCCAGGCCCAGCTCACAGATGACTCAGACATCTACTGGA[C>T]GGCAGAGGTCAACGAGGAAGGTACCTGAGTGAGTGGTGGTAGCGGGTGGGGTGCCAGCCC-3'
Protein context (NP_001784.2, residues 582-602): QLTDDSDIYW[Thr592Met]AEVNEEGDTV